The following is an entry in ClinVar:

ClinVar aggregate classification (germline): Uncertain significance. Review status: criteria provided, multiple submitters, no conflicts (2 of 4 stars). 2 submissions from 2 submitters: Uncertain significance (2). Last evaluated 2024-11-25.

Conditions:
Charcot-Marie-Tooth disease type 2. Also called: Charcot-Marie-Tooth type 2. Identifiers: Orphanet 64746, MedGen C0270914, MONDO:0018993.

Allele frequency attached by ClinVar (database versions not stated): TOPMed below 0.00001.
gnomAD v4.1: 1 of 1,611,730 alleles (0.000062%); highest among the groups gnomAD compares: East Asian, 0.0022%; no homozygotes.

Submissions (2):

Ambry Genetics
Classification: Uncertain significance. Last evaluated: 2024-11-25. Review status: criteria provided, single submitter. Criteria: Ambry Variant Classification Scheme 2023. Collection method: clinical testing. Allele origin: germline.
Comment: The p.D53N variant (also known as c.157G>A), located in coding exon 2 of the KIF1B gene, results from a G to A substitution at nucleotide position 157. The aspartic acid at codon 53 is replaced by asparagine, an amino acid with highly similar properties. This amino acid position is highly conserved in available vertebrate species. In addition, the in silico prediction for this alteration is inconclusive. The evidence for this gene-disease relationship is limited; therefore, the clinical significance of this alteration is unclear.

Labcorp Genetics (formerly Invitae), Labcorp
Classification: Uncertain significance for Charcot-Marie-Tooth disease type 2. Last evaluated: 2023-10-04. Review status: criteria provided, single submitter. Criteria: Invitae Variant Classification Sherloc (09022015). Collection method: clinical testing. Allele origin: germline.
Comment: This sequence change replaces aspartic acid, which is acidic and polar, with asparagine, which is neutral and polar, at codon 53 of the KIF1B protein (p.Asp53Asn). This variant is present in population databases (no rsID available, gnomAD 0.006%). This variant has not been reported in the literature in individuals affected with KIF1B-related conditions. ClinVar contains an entry for this variant (Variation ID: 1775657). Advanced modeling of protein sequence and biophysical properties (such as structural, functional, and spatial information, amino acid conservation, physicochemical variation, residue mobility, and thermodynamic stability) performed at Invitae indicates that this missense variant is expected to disrupt KIF1B protein function. In summary, the available evidence is currently insufficient to determine the role of this variant in disease. Therefore, it has been classified as a Variant of Uncertain Significance.

NM_001365951.3(KIF1B):c.157G>A (p.Asp53Asn)

Gene: KIF1B (kinesin family member 1B; plus strand). Cytogenetic location: 1p36.22.
Variant type: single nucleotide variant.
Coding change: c.157G>A on transcript NM_001365951.3 (MANE Select); coding-DNA position 157, G replaced by A.
Protein change: p.Asp53Asn; replaces aspartic acid 53 with asparagine.
Molecular consequence: missense variant.
Genome position (GRCh38, 1-based): chr1:10,256,297, G>A. VCF-style: chr1-10256297-G-A. GRCh37 (hg19) VCF-style: chr1-10316355-G-A.
Other names: c.157G>A, p.Asp53Asn (NM_001365952.1, NM_001365953.1, NM_015074.3 and 1 more transcripts); short protein forms D53N.
Identifiers: ClinVar variation 1775657 (VCV001775657.6), dbSNP rs1171875422, ClinGen allele CA338323148.
Genomic context (GRCh38, chr1:10,256,297, plus strand): 5'-TATCTTCTAGGTATTATTAACCCAAAGAATCCAAAGGAAGCTCCAAAGTCCTTCAGCTTC[G>A]ACTATTCCTACTGGTCTCATACCTCAGTGAGTACCCTCATGCCACAGCACTGCCAGCTCC-3'
Protein context (NP_001352880.1, residues 43-63): PKEAPKSFSF[Asp53Asn]YSYWSHTSPE